The following is an entry in ClinVar:

NM_002834.5(PTPN11):c.181G>T (p.Asp61Tyr)

Gene: PTPN11 (protein tyrosine phosphatase non-receptor type 11; plus strand). Cytogenetic location: 12q24.13.
Variant type: single nucleotide variant.
Coding change: c.181G>T on transcript NM_002834.5 (MANE Select); coding-DNA position 181, G replaced by T.
Protein change: p.Asp61Tyr; replaces aspartic acid 61 with tyrosine.
Molecular consequence: missense variant.
Genome position (GRCh38, 1-based): chr12:112,450,361, G>T. VCF-style: chr12-112450361-G-T. GRCh37 (hg19) VCF-style: chr12-112888165-G-T.
Other names: c.181G>T (NM_002834.4); c.181G>T, p.Asp61Tyr (NM_001330437.2, NM_080601.3); c.178G>T, p.Asp60Tyr (NM_001374625.1); short protein forms D61Y, D60Y.
Identifiers: ClinVar variation 228392 (VCV000228392.54), dbSNP rs397507510, ClinGen allele CA10576907.
Genomic context (GRCh38, chr12:112,450,361, plus strand): 5'-CCAATGGACTATTTTAGAAGAAATGGAGCTGTCACCCACATCAAGATTCAGAACACTGGT[G>T]ATTACTATGACCTGTATGGAGGGGAGAAATTTGCCACTTTGGCTGAGTTGGTCCAGTATT-3'
Protein context (NP_002825.3, residues 51-71): VTHIKIQNTG[Asp61Tyr]YYDLYGGEKF

ClinVar aggregate classification (germline): Conflicting classifications of pathogenicity. Review status: criteria provided, conflicting classifications (1 of 4 stars). 7 submissions from 7 submitters: Pathogenic (5); Uncertain significance (1). 1 of the submissions does not count toward it. Last evaluated 2025-11-19.
ClinVar aggregate classification (somatic clinical impact): Tier I - Strong. Review status: criteria provided, single submitter (1 of 4 stars). 2 submissions from 1 submitter. 1 of the submissions does not count toward it. Last evaluated 2022-11-22.

Conditions:
RASopathy. Also called: rasopathies; Noonan spectrum disorder. Identifiers: Orphanet 536391, MedGen C5555857, MONDO:0021060.
Noonan syndrome 1 (NS1). Also called: PTPN11-Related Noonan Syndrome; TURNER PHENOTYPE WITH NORMAL KARYOTYPE; FEMALE PSEUDO-TURNER SYNDROME. Identifiers: Orphanet 648, MedGen C4551602, MONDO:0008104, OMIM 163950. Disease mechanism: gain of function.
Juvenile myelomonocytic leukemia (JMML). Also called: LEUKEMIA, JUVENILE MYELOMONOCYTIC, SOMATIC. Identifiers: Orphanet 86834, MedGen C0349639, MONDO:0011908, OMIM 607785, HP:0012209.
Low grade glioma. Identifiers: MedGen C1997217, MONDO:0021637.
Embryonal rhabdomyosarcoma (ERMS). Also called: Botryoid rhabdomyosarcoma (type of ERMS); Spindle cell rhabdomyosarcomas (type of ERMS). Identifiers: Orphanet 99757, MedGen C0206656, MONDO:0009993, HP:0006743.

Submissions (9):

3billion
Classification: Pathogenic for Noonan syndrome 1. Last evaluated: 2025-11-19. Review status: criteria provided, single submitter. Criteria: ACMG Guidelines, 2015. Collection method: clinical testing. Allele origin: germline. Affected: yes.
Comment: The variant is not observed in the gnomAD v4.1.0 dataset. Predicted Consequence/Location: The variant is located in a mutational hot spot and/or well-established functional domain in which established pathogenic variants have been reported. Missense variant. Missense changes are a common disease-causing mechanism. In silico tool predictions suggest damaging effect of the variant on gene or gene product [REVEL: 0.93 (>=0.6, sensitivity 0.68 and specificity 0.92); 3Cnet: 1.00 (> 0.75, sensitivity 0.96 and precision 0.92)]. The same nucleotide change resulting in the same amino acid change has been previously reported as pathogenic/likely pathogenic with strong evidence (ClinVar ID: VCV000228392). Different missense changes at the same codon (p.Asp61Ala, p.Asp61Asn, p.Asp61Gly, p.Asp61His, p.Asp61Val) have been reported as pathogenic/likely pathogenic with strong evidence (ClinVar ID: VCV000013330, VCV000040494, VCV000040495, VCV000040496, VCV000179221, VCV000372703 /PMID: 11704759, 11992261, 19927903, 20112233, 34358384 /3billion dataset). Therefore, this variant is classified as Pathogenic according to the recommendation of ACMG/AMP guideline.

Labcorp Genetics (formerly Invitae), Labcorp
Classification: Uncertain significance for RASopathy. Last evaluated: 2025-07-30. Review status: criteria provided, single submitter. Criteria: Invitae Variant Classification Sherloc (09022015). Collection method: clinical testing. Allele origin: germline.
Comment: This sequence change replaces aspartic acid, which is acidic and polar, with tyrosine, which is neutral and polar, at codon 61 of the PTPN11 protein (p.Asp61Tyr). This variant is not present in population databases (gnomAD no frequency). This variant has not been reported in the literature in the germline of individuals affected with PTPN11-related conditions. It has been reported as the most common somatic variant in individuals with juvenile myelomonocytic leukemia (PMID: 12717436, 15928039). ClinVar contains an entry for this variant (Variation ID: 228392). Invitae Evidence Modeling of protein sequence and biophysical properties (such as structural, functional, and spatial information, amino acid conservation, physicochemical variation, residue mobility, and thermodynamic stability) indicates that this missense variant is expected to disrupt PTPN11 protein function with a positive predictive value of 95%. Experimental studies have shown that this missense change affects PTPN11 function (PMID: 12717436, 15834506, 15987685, 19179468). This variant disrupts the p.Asp61 amino acid residue in PTPN11. Other variant(s) that disrupt this residue have been determined to be pathogenic (PMID: 15834506, 16358218, 24150203, 26242988, 27521173). This suggests that this residue is clinically significant, and that variants that disrupt this residue are likely to be disease-causing. In summary, the available evidence is currently insufficient to determine the role of this variant in disease. Therefore, it has been classified as a Variant of Uncertain Significance.

Institute for Genomic Medicine (IGM) Clinical Laboratory, Nationwide Children's Hospital
Classification: Tier II - Potential for Low grade glioma. Assertion type: diagnostic. Clinical significance: supports diagnosis. Last evaluated: 2025-07-20. Review status: criteria provided, single submitter. Criteria: AMP/ASCO/CAP Guidelines, 2017. Collection method: clinical testing. Allele origin: somatic. Affected: yes. Not counted in ClinVar's aggregate classification.
Comment: Variant has Tier II (potential) clinical significance as a diagnostic inclusion criterion in low grade glioma, based on the following evidence: 1) Documented in one or more cancer databases (e.g., St. Jude Pecan, COSMIC, CIViC, OncoKB). 2) Information in the literature supports potential biologic effect of variant (PMIDs: 12717436, 15834506, 16053901). 3) Diagnostic significance based on multiple small studies (Evidence Level C; PMIDs: 31617914, 36226386, 28912153).

KCCC/NGS Laboratory, Kuwait Cancer Control Center
Classification: Pathogenic for Noonan syndrome 1. Last evaluated: 2024-09-09. Review status: criteria provided, single submitter. Criteria: ACMG Guidelines, 2015. Collection method: clinical testing. Allele origin: germline. Inheritance: Autosomal dominant inheritance. Affected: yes. Observed: 1 heterozygote.
Comment: The reported PTPN11 mutation is somatic. PTPN11 is one of the most commonly altered genes in juvenile myelomonocytic leukemia (JMML) and its presence strongly supports a diagnosis of JMML. The PTPN11D61Y is possible germline mutation .

Institute for Genomic Medicine (IGM) Clinical Laboratory, Nationwide Children's Hospital
Classification: Tier I - Strong for Embryonal rhabdomyosarcoma. Assertion type: diagnostic. Clinical significance: supports diagnosis. Last evaluated: 2022-11-22. Review status: criteria provided, single submitter. Criteria: AMP/ASCO/CAP Guidelines, 2017. Collection method: clinical testing. Allele origin: somatic. Affected: yes.
Comment: Variant has Tier I (strong) clinical significance as a diagnostic inclusion criterion in embryonal rhabdomyosarcoma, based on the following evidence: 1) Documented in one or more cancer databases (e.g., St. Jude Pecan, COSMIC, CIViC, OncoKB). 2) Information in the literature supports potential biologic effect of variant (PMIDs: 9491886, 12717436, 15834506, 16053901). 3) Diagnostic for a specific tumor type/classification based on well-powered studies with expert-level consensus (Evidence Level B; PMIDs: 24436047, 34166060, 26138366, 16518851, 19681119, 22142829).

Mayo Clinic Laboratories, Mayo Clinic
Classification: Pathogenic. Last evaluated: 2021-12-28. Review status: criteria provided, single submitter. Criteria: ACMG Guidelines, 2015. Collection method: clinical testing. Allele origin: germline.
Comment: PP2, PP3, PM1, PM2, PM5, PS3, PS4

CeGaT Center for Human Genetics Tuebingen
Classification: Pathogenic. Last evaluated: 2017-07-01. Review status: criteria provided, single submitter. Criteria: CeGaT Center For Human Genetics Tuebingen Variant Classification Criteria Version 2. Collection method: clinical testing. Allele origin: germline. Affected: yes. Observed: 1 variant allele.

Laboratory for Molecular Medicine, Mass General Brigham Personalized Medicine
Classification: Pathogenic for Juvenile myelomonocytic leukemia. Last evaluated: 2015-02-06. Review status: criteria provided, single submitter. Criteria: LMM Criteria. Collection method: clinical testing. Allele origin: somatic. Inheritance: Somatic mutation. Observed: 1 variant allele.
Comment: The p.Asp61Tyr in PTPN11 has been previously reported as a somatic variant in at least 30 sporadic cases of JMML, 10 sporadic cases of other hematological malig nancies, and 1 child with neuroblastoma (Tartaglia 2003, Loh 2004, Tartaglia 200 4, Bentires-Alj 2004, Kratz 2005, Tartaglia 2006, Gelsi-Boyer 2008, Paulsson 200 8, Silva 2009, Yoshida 2009, Pugh 2013, Sakaguchi 2013, Strullu 2014) and was ab sent from large population studies. In vitro and in-vivo studies using mouse mod els have shown strong evidence that this variant affects the protein (Tarataglia 2003, Loh 2004, Chan 2005, Chan 2009, Yang 2010). Other variants at this positi on (p.Asp61Gly, p.Asp61Ala, p.Asp61Asn, p.Asp61His, p.Asp61Val) were also report ed in multiple patients with Noonan syndrome and/or hematological malignancies ( Tartaglia 2005, Kratz 2005, Bertola 2006, Sakaguchi 2013, Strullu 2014). In summ ary, this variant meets our criteria to be classified as pathogenic for JMML (ww w.).

Genomic Medicine Center of Excellence, King Faisal Specialist Hospital and Research Centre
Classification: Uncertain significance for Noonan syndrome 1. Last evaluated: 2024-04-04. Review status: flagged submission. Criteria: ACMG Guidelines, 2015. Collection method: clinical testing. Allele origin: germline. Not counted in ClinVar's aggregate classification.
ClinVar note: Reason: Outlier claim with insufficient supporting evidence

Literature cited by the submitters: PubMed 11704759 (cited by 3billion); PubMed 12717436 (cited by 4 submitters); PubMed 15928039 (cited by 3 submitters); PubMed 15834506 (cited by Labcorp Genetics (formerly Invitae), Labcorp and Institute for Genomic Medicine (IGM) Clinical Laboratory, Nationwide Children's Hospital); PubMed 15987685 (cited by 3 submitters); PubMed 19179468 (cited by 3 submitters); PubMed 16358218 (cited by 3 submitters); PubMed 24150203 (cited by Labcorp Genetics (formerly Invitae), Labcorp); PubMed 26242988 (cited by Labcorp Genetics (formerly Invitae), Labcorp); PubMed 27521173 (cited by Labcorp Genetics (formerly Invitae), Labcorp); PubMed 16053901 (cited by Institute for Genomic Medicine (IGM) Clinical Laboratory, Nationwide Children's Hospital); PubMed 31617914 (cited by Institute for Genomic Medicine (IGM) Clinical Laboratory, Nationwide Children's Hospital); PubMed 36226386 (cited by Institute for Genomic Medicine (IGM) Clinical Laboratory, Nationwide Children's Hospital); PubMed 28912153 (cited by Institute for Genomic Medicine (IGM) Clinical Laboratory, Nationwide Children's Hospital); PubMed 9491886 (cited by Institute for Genomic Medicine (IGM) Clinical Laboratory, Nationwide Children's Hospital); PubMed 24436047 (cited by Institute for Genomic Medicine (IGM) Clinical Laboratory, Nationwide Children's Hospital); PubMed 34166060 (cited by Institute for Genomic Medicine (IGM) Clinical Laboratory, Nationwide Children's Hospital); PubMed 26138366 (cited by Institute for Genomic Medicine (IGM) Clinical Laboratory, Nationwide Children's Hospital); PubMed 16518851 (cited by Institute for Genomic Medicine (IGM) Clinical Laboratory, Nationwide Children's Hospital); PubMed 19681119 (cited by Institute for Genomic Medicine (IGM) Clinical Laboratory, Nationwide Children's Hospital); PubMed 22142829 (cited by Institute for Genomic Medicine (IGM) Clinical Laboratory, Nationwide Children's Hospital); PubMed 14644997 (cited by Mayo Clinic Laboratories, Mayo Clinic and Laboratory for Molecular Medicine, Mass General Brigham Personalized Medicine); PubMed 14982869 (cited by Mayo Clinic Laboratories, Mayo Clinic and Laboratory for Molecular Medicine, Mass General Brigham Personalized Medicine); PubMed 15604238 (cited by Mayo Clinic Laboratories, Mayo Clinic and Laboratory for Molecular Medicine, Mass General Brigham Personalized Medicine); PubMed 15644411 (cited by Mayo Clinic Laboratories, Mayo Clinic and Laboratory for Molecular Medicine, Mass General Brigham Personalized Medicine); PubMed 17910045 (cited by Mayo Clinic Laboratories, Mayo Clinic and Laboratory for Molecular Medicine, Mass General Brigham Personalized Medicine); PubMed 18925961 (cited by Mayo Clinic Laboratories, Mayo Clinic and Laboratory for Molecular Medicine, Mass General Brigham Personalized Medicine); PubMed 19047918 (cited by Mayo Clinic Laboratories, Mayo Clinic and Laboratory for Molecular Medicine, Mass General Brigham Personalized Medicine); PubMed 23334666 (cited by Mayo Clinic Laboratories, Mayo Clinic and Laboratory for Molecular Medicine, Mass General Brigham Personalized Medicine); PubMed 19773259 (cited by Laboratory for Molecular Medicine, Mass General Brigham Personalized Medicine); PubMed 15842656 (cited by Laboratory for Molecular Medicine, Mass General Brigham Personalized Medicine); PubMed 17020470 (cited by Laboratory for Molecular Medicine, Mass General Brigham Personalized Medicine); PubMed 21555152 (cited by Laboratory for Molecular Medicine, Mass General Brigham Personalized Medicine); PubMed 23832011 (cited by Laboratory for Molecular Medicine, Mass General Brigham Personalized Medicine); PubMed 25097206 (cited by Laboratory for Molecular Medicine, Mass General Brigham Personalized Medicine).